The following is an entry in ClinVar:

NM_001142864.4(PIEZO1):c.570C>T (p.Val190=)

Genes: HSALR1 (HSP90AB1 associated lncRNA 1; plus strand), PIEZO1 (piezo type mechanosensitive ion channel component 1 (Er blood group); minus strand). Cytogenetic location: 16q24.3.
Variant type: single nucleotide variant.
Coding change: c.570C>T on transcript NM_001142864.4 (MANE Select); coding-DNA position 570, C replaced by T.
Protein change: p.Val190=; no amino-acid change (valine 190 retained).
Molecular consequence: synonymous variant. On other transcripts: non-coding transcript variant (1).
Genome position (GRCh38, 1-based): chr16:88,738,632, G>A on the plus strand (C>T on the coding strand, the complement: PIEZO1 is on the minus strand). VCF-style: chr16-88738632-G-A. GRCh37 (hg19) VCF-style: chr16-88805040-G-A.
Identifiers: ClinVar variation 2647006 (VCV002647006.24), dbSNP rs888051571, ClinGen allele CA286437022.

ClinVar aggregate classification (germline): Likely benign (1 of 4 stars; one submission).

Allele frequency attached by ClinVar (database versions not stated): gnomAD exomes below 0.00001.
gnomAD v4.1: 1 of 1,535,708 alleles (0.000065%); highest among the groups gnomAD compares: Admixed American, 0.002%; no homozygotes.

Submission:

CeGaT Center for Human Genetics Tuebingen
Classification: Likely benign. Last evaluated: 2023-03-01. Review status: criteria provided, single submitter. Criteria: CeGaT Center For Human Genetics Tuebingen Variant Classification Criteria Version 2. Collection method: clinical testing. Allele origin: germline. Affected: yes. Observed: 1 variant allele.
Comment: PIEZO1: PM2:Supporting, BP4, BP7